The following is an entry in ClinVar:

ClinVar aggregate classification (germline): Likely benign (1 of 4 stars; one submission).

Allele frequency attached by ClinVar (database versions not stated): gnomAD 0.00325 and 0.00347; TOPMed 0.00354; 1000 Genomes Project 0.00439; 1000 Genomes Project 30x 0.00531.
gnomAD v4.1: 785 of 844,976 alleles (0.093%); highest among the groups gnomAD compares: African/African-American, 1.1%; 5 homozygotes.

Submission:

GeneDx
Classification: Likely benign. Last evaluated: 2018-06-19. Review status: criteria provided, single submitter. Criteria: GeneDx Variant Classification (06012015). Collection method: clinical testing. Allele origin: germline. Affected: yes.
Comment: This variant is considered likely benign or benign based on one or more of the following criteria: it is a conservative change, it occurs at a poorly conserved position in the protein, it is predicted to be benign by multiple in silico algorithms, and/or has population frequency not consistent with disease.

NM_001482.3(GATM):c.675+109G>A

Gene: GATM (glycine amidinotransferase; minus strand). Cytogenetic location: 15q21.1.
Variant type: single nucleotide variant.
Coding change: c.675+109G>A on transcript NM_001482.3 (MANE Select); 109 bases into the intron after coding-DNA position 675, G replaced by A.
Molecular consequence: intron variant.
Genome position (GRCh38, 1-based): chr15:45,367,961, C>T on the plus strand (G>A on the coding strand, the complement: GATM is on the minus strand). VCF-style: chr15-45367961-C-T. GRCh37 (hg19) VCF-style: chr15-45660159-C-T.
Other names: c.288+109G>A (NM_001321015.2).
Identifiers: ClinVar variation 678335 (VCV000678335.1), dbSNP rs187153913, ClinGen allele CA270168182.